The following is an entry in ClinVar:

NM_000321.3(RB1):c.2349_2351dup (p.His784_Ile785insHis)

Gene: RB1 (RB transcriptional corepressor 1; plus strand). Cytogenetic location: 13q14.2.
Variant type: Duplication.
Coding change: c.2349_2351dup on transcript NM_000321.3 (MANE Select); coding-DNA positions 2349 to 2351, 3 bases duplicated (TCA; older notation c.2349_2351dupTCA).
Protein change: p.His784_Ile785insHis.
Genome position (GRCh38, 1-based): chr13:48,465,228-48,465,230, TCA duplicated. VCF-style (leftmost placement, unchanged base first): chr13-48465227-C-CTCA. GRCh37 (hg19) VCF-style: chr13-49039363-C-CTCA.
Other names: c.2349_2351dup, p.His784_Ile785insHis (NM_001407165.1); c.2349_2351dupTCA (NM_000321.2).
Identifiers: ClinVar variation 3724745 (VCV003724745.3).

ClinVar aggregate classification (germline): Uncertain significance. Review status: criteria provided, multiple submitters, no conflicts (2 of 4 stars). 2 submissions from 2 submitters: Uncertain significance (2). Last evaluated 2025-09-09.

Conditions:
Hereditary cancer-predisposing syndrome. Also called: Hereditary Cancer Syndrome; Hereditary neoplastic syndrome; Neoplastic Syndromes, Hereditary; Tumor predisposition. Identifiers: Orphanet 140162, MedGen C0027672, MeSH D009386, MONDO:0015356.
Retinoblastoma (RB1). Also called: RETINOBLASTOMA, SOMATIC. Identifiers: Orphanet 790, MedGen C0035335, MeSH D012175, MONDO:0008380, OMIM 180200, HP:0009919. Disease mechanism: loss of function. Inheritance: Both sporadic and heritable forms are tested..

Submissions (2):

Ambry Genetics
Classification: Uncertain significance for Hereditary cancer-predisposing syndrome. Last evaluated: 2025-09-09. Review status: criteria provided, single submitter. Criteria: Ambry Variant Classification Scheme 2023. Collection method: clinical testing. Allele origin: germline.
Comment: The c.2349_2351dupTCA variant (also known as p.H784dup), located in coding exon 23 of the RB1 gene, results from an in-frame duplication of TCA at nucleotide positions 2349 to 2351. This results in the duplication of a histidine residue at codon 784. This amino acid position is well conserved in available vertebrate species. In addition, the in silico prediction for this variant is inconclusive (Choi Y et al. PLoS ONE. 2012; 7(10):e46688). Based on the available evidence, the clinical significance of this variant remains unclear.

Labcorp Genetics (formerly Invitae), Labcorp
Classification: Uncertain significance for Retinoblastoma. Last evaluated: 2024-11-06. Review status: criteria provided, single submitter. Criteria: Invitae Variant Classification Sherloc (09022015). Collection method: clinical testing. Allele origin: germline.
Comment: This variant, c.2349_2351dup, results in the insertion of 1 amino acid(s) of the RB1 protein (p.His784dup), but otherwise preserves the integrity of the reading frame. This variant is not present in population databases (gnomAD no frequency). This variant has not been reported in the literature in individuals affected with RB1-related conditions. In summary, the available evidence is currently insufficient to determine the role of this variant in disease. Therefore, it has been classified as a Variant of Uncertain Significance.